The following is an entry in ClinVar:

NM_015425.6(POLR1A):c.4370G>A (p.Arg1457Gln)

Gene: POLR1A (RNA polymerase I subunit A; minus strand). Cytogenetic location: 2p11.2.
Variant type: single nucleotide variant.
Coding change: c.4370G>A on transcript NM_015425.6 (MANE Select); coding-DNA position 4370, G replaced by A.
Protein change: p.Arg1457Gln; replaces arginine 1457 with glutamine.
Molecular consequence: missense variant.
Genome position (GRCh38, 1-based): chr2:86,031,538, C>T on the plus strand (G>A on the coding strand, the complement: POLR1A is on the minus strand). VCF-style: chr2-86031538-C-T. GRCh37 (hg19) VCF-style: chr2-86258661-C-T.
Other names: c.4370G>A (NM_015425.3); short protein forms R1457Q.
Identifiers: ClinVar variation 1400092 (VCV001400092.7), dbSNP rs200735610, ClinGen allele CA1745507.

ClinVar aggregate classification (germline): Conflicting classifications of pathogenicity. Review status: criteria provided, conflicting classifications (1 of 4 stars). 2 submissions from 2 submitters: Uncertain significance (1); Likely benign (1). Last evaluated 2026-01-27.

Conditions:
Inborn genetic diseases. Identifiers: MedGen C0950123, MeSH D030342.

Allele frequency attached by ClinVar (database versions not stated): gnomAD 0.00009; gnomAD exomes 0.00014 and 0.00018; TOPMed 0.00017; ExAC 0.00020; ESP Exome Variant Server 0.00032.
gnomAD v4.1: 216 of 1,614,050 alleles (0.013%); highest among the groups gnomAD compares: Middle Eastern, 0.033%; 1 homozygote.

Submissions (2):

Labcorp Genetics (formerly Invitae), Labcorp
Classification: Uncertain significance. Last evaluated: 2026-01-27. Review status: criteria provided, single submitter. Criteria: Invitae Variant Classification Sherloc (09022015). Collection method: clinical testing. Allele origin: germline.
Comment: This sequence change replaces arginine, which is basic and polar, with glutamine, which is neutral and polar, at codon 1457 of the POLR1A protein (p.Arg1457Gln). This variant is present in population databases (rs200735610, gnomAD 0.03%). This variant has not been reported in the literature in individuals affected with POLR1A-related conditions. ClinVar contains an entry for this variant (Variation ID: 1400092). An algorithm developed to predict the effect of missense changes on protein structure and function outputs the following: PolyPhen-2: "Benign". The glutamine amino acid residue is found in multiple mammalian species, which suggests that this missense change does not adversely affect protein function. In summary, the available evidence is currently insufficient to determine the role of this variant in disease. Therefore, it has been classified as a Variant of Uncertain Significance.

Ambry Genetics
Classification: Likely benign for Inborn genetic diseases. Last evaluated: 2022-08-02. Review status: criteria provided, single submitter. Criteria: Ambry Variant Classification Scheme 2023. Collection method: clinical testing. Allele origin: germline.